The following is an entry in ClinVar:

NM_000169.3(GLA):c.860G>T (p.Trp287Leu)

Genes: GLA (galactosidase alpha; minus strand), RPL36A-HNRNPH2 (RPL36A-HNRNPH2 readthrough; plus strand). Cytogenetic location: Xq22.1.
Variant type: single nucleotide variant.
Coding change: c.860G>T on transcript NM_000169.3 (MANE Select); coding-DNA position 860, G replaced by T.
Protein change: p.Trp287Leu; replaces tryptophan 287 with leucine.
Molecular consequence: missense variant. On other transcripts: non-coding transcript variant (3), intron variant (2).
Genome position (GRCh38, 1-based): chrX:101,398,509, C>A on the plus strand (G>T on the coding strand, the complement: GLA is on the minus strand). VCF-style: chrX-101398509-C-A. GRCh37 (hg19) VCF-style: chrX-100653497-C-A.
Other names: c.983G>T, p.Trp328Leu (NM_001406747.1); c.860G>T, p.Trp287Leu (NM_001406748.1); c.300+3052C>A (NM_001199973.2); c.177+6687C>A (NM_001199974.2); short protein forms W287L, W328L.
Identifiers: ClinVar variation 4974823 (VCV004974823.1).

ClinVar aggregate classification (germline): Uncertain significance (1 of 4 stars; one submission).

Conditions:
Fabry disease. Also called: Fabry's disease; ALPHA-GALACTOSIDASE A DEFICIENCY; ANDERSON-FABRY DISEASE; CERAMIDE TRIHEXOSIDASE DEFICIENCY; GLA DEFICIENCY; HEREDITARY DYSTOPIC LIPIDOSIS. Identifiers: Orphanet 324, MedGen C0002986, MONDO:0010526, OMIM 301500, HP:0001071. Disease mechanism: Fabry disease is due to inactivating mutations in the X-linked GLA gene resulting in deficiency of the enzyme Alpha Galactosidase-A., loss of function.

Submission:

Genomenon, Inc
Classification: Uncertain significance for Fabry disease. Last evaluated: 2026-09-08. Review status: criteria provided, single submitter. Criteria: Genomenon Sequence Variant Interpretation Standards - Updated. Collection method: curation. Allele origin: germline. Affected: yes.
Comment: GLA p.Trp287Leu (c.860G>T) is a missense variant that changes the amino acid at codon 287 from Tryptophan to Leucine. This variant has been observed in at least one proband with clinical features consistent with Fabry disease (PMID:32784589). It is absent or not present at a significant frequency in gnomAD. In silico models predict that this variant is possibly or probably damaging. In conclusion, we classify GLA p.Trp287Leu (c.860G>T) as a variant of uncertain significance.

Literature cited by the submitters: PubMed 32784589.